The following is an entry in ClinVar:

NM_000016.6(ACADM):c.310G>A (p.Asp104Asn)

Gene: ACADM (acyl-CoA dehydrogenase medium chain; plus strand). Cytogenetic location: 1p31.1.
Variant type: single nucleotide variant.
Coding change: c.310G>A on transcript NM_000016.6 (MANE Select); coding-DNA position 310, G replaced by A.
Protein change: p.Asp104Asn; replaces aspartic acid 104 with asparagine.
Molecular consequence: missense variant. On other transcripts: intron variant (1).
Genome position (GRCh38, 1-based): chr1:75,733,551, G>A. VCF-style: chr1-75733551-G-A. GRCh37 (hg19) VCF-style: chr1-76199236-G-A.
Other names: c.322G>A, p.Asp108Asn (NM_001127328.3); c.202G>A, p.Asp68Asn (NM_001286042.2); c.409G>A, p.Asp137Asn (NM_001286043.2); c.-100+629G>A (NM_001286044.2); short protein forms D108N, D68N, D104N, D137N.
Identifiers: ClinVar variation 1517179 (VCV001517179.8), dbSNP rs2100365770, ClinGen allele CA340811933.

ClinVar aggregate classification (germline): Likely pathogenic (1 of 4 stars; one submission).

Conditions:
Medium-chain acyl-coenzyme A dehydrogenase deficiency (ACADMD). Also called: ACADM DEFICIENCY; MCADD; CARNITINE DEFICIENCY SECONDARY TO MEDIUM-CHAIN ACYL-CoA DEHYDROGENASE DEFICIENCY; MCADH DEFICIENCY; Medium chain acyl-CoA dehydrogenase deficiency; MCAD Deficiency. Identifiers: Orphanet 42, MedGen C0220710, MONDO:0008721, OMIM 201450.

Submission:

Labcorp Genetics (formerly Invitae), Labcorp
Classification: Likely pathogenic for Medium-chain acyl-coenzyme A dehydrogenase deficiency. Last evaluated: 2021-02-24. Review status: criteria provided, single submitter. Criteria: Invitae Variant Classification Sherloc (09022015). Collection method: clinical testing. Allele origin: germline.
Comment: Advanced modeling of protein sequence and biophysical properties (such as structural, functional, and spatial information, amino acid conservation, physicochemical variation, residue mobility, and thermodynamic stability) performed at Invitae indicates that this missense variant is expected to disrupt ACADM protein function. This variant disrupts the p.Asp104 amino acid residue in ACADM. Other variant(s) that disrupt this residue have been determined to be pathogenic (PMID: 16291504). This suggests that this residue is clinically significant, and that variants that disrupt this residue are likely to be disease-causing. In summary, the currently available evidence indicates that the variant is pathogenic, but additional data are needed to prove that conclusively. Therefore, this variant has been classified as Likely Pathogenic. This variant has not been reported in the literature in individuals with ACADM-related conditions. This sequence change replaces aspartic acid with asparagine at codon 104 of the ACADM protein (p.Asp104Asn). The aspartic acid residue is highly conserved and there is a small physicochemical difference between aspartic acid and asparagine. This variant is not present in population databases (ExAC no frequency).

Literature cited by the submitters: PubMed 16291504.